The following is an entry in ClinVar:

ClinVar aggregate classification (germline): Uncertain significance (0 of 4 stars; one submission).

Conditions:
TUBB2B-related disorder. Also called: TUBB2B-related condition.

gnomAD v4.1: 1 of 1,614,058 alleles (0.000062%); highest among the groups gnomAD compares: African/African-American, 0.0013%; no homozygotes.

Submission:

PreventionGenetics, part of Exact Sciences
Classification: Uncertain significance for TUBB2B-related condition. Last evaluated: 2024-06-10. Review status: no assertion criteria provided. Collection method: clinical testing. Allele origin: germline.
Comment: The TUBB2B c.116A>G variant is predicted to result in the amino acid substitution p.Asp39Gly. To our knowledge, this variant has not been reported in the literature or in a large population database, indicating this variant is rare. At this time, the clinical significance of this variant is uncertain due to the absence of conclusive functional and genetic evidence.

NM_178012.5(TUBB2B):c.116A>G (p.Asp39Gly)

Gene: TUBB2B (tubulin beta 2B class IIb; minus strand). Cytogenetic location: 6p25.2.
Variant type: single nucleotide variant.
Coding change: c.116A>G on transcript NM_178012.5 (MANE Select); coding-DNA position 116, A replaced by G.
Protein change: p.Asp39Gly; replaces aspartic acid 39 with glycine.
Molecular consequence: missense variant.
Genome position (GRCh38, 1-based): chr6:3,226,611, T>C on the plus strand (A>G on the coding strand, the complement: TUBB2B is on the minus strand). VCF-style: chr6-3226611-T-C. GRCh37 (hg19) VCF-style: chr6-3226845-T-C.
Other names: short protein forms D39G.
Identifiers: ClinVar variation 3345704 (VCV003345704.1).